The following is an entry in ClinVar:

ClinVar aggregate classification (germline): Likely pathogenic (1 of 4 stars; one submission).

Conditions:
Nephronophthisis 15 (NPHP15). Identifiers: Orphanet 3156, MedGen C3541853, MONDO:0013917, OMIM 614845.

gnomAD v4.1: 1 of 1,594,386 alleles (0.000063%); highest among the groups gnomAD compares: Non-Finnish European, 0.000085%; no homozygotes.

Submission:

Labcorp Genetics (formerly Invitae), Labcorp
Classification: Likely pathogenic for Nephronophthisis 15. Last evaluated: 2025-04-23. Review status: criteria provided, single submitter. Criteria: Invitae Variant Classification Sherloc (09022015). Collection method: clinical testing. Allele origin: germline.
Comment: This sequence change affects an acceptor splice site in intron 20 of the CEP164 gene. It is expected to disrupt RNA splicing. Variants that disrupt the donor or acceptor splice site typically lead to a loss of protein function (PMID: 16199547), and loss-of-function variants in CEP164 are known to be pathogenic (PMID: 22863007, 28125082, 32367404, 34132027, 34499853). The frequency data for this variant in the population databases is considered unreliable, as metrics indicate poor data quality at this position in the gnomAD database. This variant has not been reported in the literature in individuals affected with CEP164-related conditions. Algorithms developed to predict the effect of sequence changes on RNA splicing suggest that this variant may disrupt the consensus splice site. In summary, the currently available evidence indicates that the variant is pathogenic, but additional data are needed to prove that conclusively. Therefore, this variant has been classified as Likely Pathogenic.

Literature cited by the submitters: PubMed 16199547; PubMed 22863007; PubMed 28125082; PubMed 32367404; PubMed 34132027; PubMed 34499853.

NM_014956.5(CEP164):c.2617-2A>G

Gene: CEP164 (centrosomal protein 164; plus strand). Cytogenetic location: 11q23.3.
Variant type: single nucleotide variant.
Coding change: c.2617-2A>G on transcript NM_014956.5 (MANE Select); the canonical splice acceptor site of the intron before coding-DNA position 2617, A replaced by G.
Molecular consequence: splice acceptor variant.
Genome position (GRCh38, 1-based): chr11:117,394,348, A>G. VCF-style: chr11-117394348-A-G. GRCh37 (hg19) VCF-style: chr11-117265064-A-G.
Other names: c.2626-2A>G (NM_001271933.2, NM_001440949.1); c.2458-2A>G (NM_001440972.1); c.2479-2A>G (NM_001440967.1, NM_001440961.1); c.2530-2A>G (NM_001440956.1, NM_001440957.1); c.2617-2A>G (NM_001440950.1, NM_001440953.1, NM_001440951.1); c.2470-2A>G (NM_001440962.1, NM_001440970.1, NM_001440964.1 and 4 more transcripts); c.2260-2A>G (NM_001440990.1, NM_001440984.1); c.2452-2A>G (NM_001440952.1, NM_001440968.1, NM_001440969.1); and 7 more.
Identifiers: ClinVar variation 4694887 (VCV004694887.1).